The following is an entry in ClinVar:

ClinVar aggregate classification (germline): Uncertain significance. Review status: criteria provided, multiple submitters, no conflicts (2 of 4 stars). 2 submissions from 2 submitters: Uncertain significance (2). Last evaluated 2024-12-22.

Conditions:
Seizures, benign familial infantile, 3 (BFIS3). Also called: CONVULSIONS, BENIGN FAMILIAL INFANTILE, 3; Familial neonatal seizures. Identifiers: Orphanet 140927, Orphanet 306, MedGen C1843140, MONDO:0011904, OMIM 607745.
Developmental and epileptic encephalopathy, 11 (DEE11). Also called: Early infantile epileptic encephalopathy 11. Identifiers: Orphanet 1934, MedGen C3150987, MONDO:0013388, OMIM 613721.

Allele frequency attached by ClinVar (database versions not stated): gnomAD 0.00001; ESP Exome Variant Server 0.00008; TOPMed 0.00003; gnomAD exomes below 0.00001; ExAC 0.00001.
gnomAD v4.1: 4 of 1,614,040 alleles (0.00025%); highest among the groups gnomAD compares: African/African-American, 0.0053%; no homozygotes.

Submissions (2):

GeneDx
Classification: Uncertain significance. Last evaluated: 2024-12-22. Review status: criteria provided, single submitter. Criteria: GeneDx Variant Classification Process June 2021. Collection method: clinical testing. Allele origin: germline.
Comment: Has not been previously published as pathogenic or benign to our knowledge; In silico analysis supports that this missense variant has a deleterious effect on protein structure/function; This substitution is predicted to be within the extracellular loop between the S5 and S6 transmembrane segments of the second homologous domain; Not observed at significant frequency in large population cohorts (gnomAD)

Labcorp Genetics (formerly Invitae), Labcorp
Classification: Uncertain significance for Seizures, benign familial infantile, 3; Developmental and epileptic encephalopathy, 11. Last evaluated: 2024-08-28. Review status: criteria provided, single submitter. Criteria: Invitae Variant Classification Sherloc (09022015). Collection method: clinical testing. Allele origin: germline.
Comment: This sequence change replaces lysine, which is basic and polar, with arginine, which is basic and polar, at codon 913 of the SCN2A protein (p.Lys913Arg). This variant is present in population databases (rs367859080, gnomAD 0.01%). This variant has not been reported in the literature in individuals affected with SCN2A-related conditions. ClinVar contains an entry for this variant (Variation ID: 2499444). Invitae Evidence Modeling of protein sequence and biophysical properties (such as structural, functional, and spatial information, amino acid conservation, physicochemical variation, residue mobility, and thermodynamic stability) indicates that this missense variant is expected to disrupt SCN2A protein function with a positive predictive value of 95%. In summary, the available evidence is currently insufficient to determine the role of this variant in disease. Therefore, it has been classified as a Variant of Uncertain Significance.

NM_001040142.2(SCN2A):c.2738A>G (p.Lys913Arg)

Gene: SCN2A (sodium voltage-gated channel alpha subunit 2; plus strand). Cytogenetic location: 2q24.3.
Variant type: single nucleotide variant.
Coding change: c.2738A>G on transcript NM_001040142.2 (MANE Select); coding-DNA position 2738, A replaced by G.
Protein change: p.Lys913Arg; replaces lysine 913 with arginine.
Molecular consequence: missense variant.
Genome position (GRCh38, 1-based): chr2:165,344,730, A>G. VCF-style: chr2-165344730-A-G. GRCh37 (hg19) VCF-style: chr2-166201240-A-G.
Other names: c.2738A>G, p.Lys913Arg (NM_001040143.2, NM_001371246.1, NM_001371247.1 and 1 more transcripts); short protein forms K913R.
Identifiers: ClinVar variation 2499444 (VCV002499444.4), dbSNP rs367859080, ClinGen allele CA1940016.
Genomic context (GRCh38, chr2:165,344,730, plus strand): 5'-TCATTTTTGCTGTGGTCGGCATGCAGCTCTTTGGTAAGAGCTACAAAGAATGTGTCTGCA[A>G]GATTTCCAATGATTGTGAACTCCCACGCTGGCACATGCATGACTTTTTCCACTCCTTCCT-3'
Protein context (NP_001035232.1, residues 903-923): FGKSYKECVC[Lys913Arg]ISNDCELPRW